The following is an entry in ClinVar:

NM_201525.4(ADGRG1):c.918A>C (p.Gln306His)

Gene: ADGRG1 (adhesion G protein-coupled receptor G1; plus strand). Cytogenetic location: 16q21.
Variant type: single nucleotide variant.
Coding change: c.918A>C on transcript NM_201525.4 (MANE Select); coding-DNA position 918, A replaced by C.
Protein change: p.Gln306His; replaces glutamine 306 with histidine.
Molecular consequence: missense variant.
Genome position (GRCh38, 1-based): chr16:57,655,893, A>C. VCF-style: chr16-57655893-A-C. GRCh37 (hg19) VCF-style: chr16-57689805-A-C.
Other names: c.918A>C, p.Gln306His (NM_001145770.3, NM_001145771.3, NM_001145772.3 and 16 more transcripts); c.933A>C, p.Gln311His (NM_001145773.3, NM_001370433.1); c.408A>C, p.Gln136His (NM_001290142.2); c.393A>C, p.Gln131His (NM_001290143.2, NM_001290144.2, NM_001370451.1 and 2 more transcripts); c.762A>C, p.Gln254His (NM_001370442.1); short protein forms Q306H, Q311H, Q131H, Q136H, Q254H.
Identifiers: ClinVar variation 158640 (VCV000158640.27), dbSNP rs1801255, ClinGen allele CA172261.
Genomic context (GRCh38, chr16:57,655,893, plus strand): 5'-TGAACTCCCTCCCTACTCTCTTCCTCCAACCCCATGTATCTAGGACAAGAATTCCAGCCA[A>C]GTCCTGGGTGAGAAGGTCTTGGGGATTGTGGTACAGAACACCAAAGTAGCCAACCTCACG-3'
Protein context (NP_958933.1, residues 296-316): QALFQDKNSS[Gln306His]VLGEKVLGIV

ClinVar aggregate classification (germline): Benign. Review status: criteria provided, multiple submitters, no conflicts (2 of 4 stars). 11 submissions from 11 submitters: Benign (10). 1 of the submissions does not count toward it. Last evaluated 2026-02-04.

Conditions:
Bilateral frontoparietal polymicrogyria. Also called: CORTICAL DYSPLASIA, COMPLEX, WITH OTHER BRAIN MALFORMATIONS 14A (BILATERAL FRONTOPARIETAL); CEREBELLAR ATAXIA WITH NEURONAL MIGRATION DEFECT. Identifiers: Orphanet 101070, MedGen C1847352, MONDO:0011738, OMIM 606854.

Allele frequency attached by ClinVar (database versions not stated): 1000 Genomes Project 30x 0.11212; 1000 Genomes Project 0.11302; TOPMed 0.17886; gnomAD 0.19508 and 0.20047; gnomAD exomes 0.19951 and 0.23435; ExAC 0.19978; ESP Exome Variant Server 0.20883.
gnomAD v4.1: 371,163 of 1,613,744 alleles (23%); highest among the groups gnomAD compares: Non-Finnish European, 26%; 46,637 homozygotes.

Submissions (11):

Labcorp Genetics (formerly Invitae), Labcorp
Classification: Benign. Last evaluated: 2026-02-04. Review status: criteria provided, single submitter. Criteria: Invitae Variant Classification Sherloc (09022015). Collection method: clinical testing. Allele origin: germline.

Blueprint Genetics
Classification: Benign. Last evaluated: 2024-11-27. Review status: criteria provided, single submitter. Criteria: ACMG Guidelines, 2015. Collection method: clinical testing. Allele origin: germline.

Genome-Nilou Lab
Classification: Benign for Bilateral frontoparietal polymicrogyria. Last evaluated: 2021-07-10. Review status: criteria provided, single submitter. Criteria: ACMG Guidelines, 2015. Collection method: clinical testing. Allele origin: germline. Affected: no.

Athena Diagnostics
Classification: Benign. Last evaluated: 2018-05-07. Review status: criteria provided, single submitter. Criteria: Athena Diagnostics Criteria. Collection method: clinical testing. Allele origin: germline.

Mayo Clinic Laboratories, Mayo Clinic
Classification: Benign. Last evaluated: 2018-04-02. Review status: criteria provided, single submitter. Criteria: ACMG Guidelines, 2015. Collection method: clinical testing. Allele origin: germline. Observed: 186 variant alleles.

Illumina Laboratory Services, Illumina
Classification: Benign for Bilateral frontoparietal polymicrogyria. Last evaluated: 2018-01-13. Review status: criteria provided, single submitter. Criteria: ICSL Variant Classification Criteria 13 December 2019. Collection method: clinical testing. Allele origin: germline.
Comment: This variant was observed in the ICSL laboratory as part of a predisposition screen in an ostensibly healthy population. It had not been previously curated by ICSL or reported in the Human Gene Mutation Database (HGMD: prior to June 1st, 2018), and was therefore a candidate for classification through an automated scoring system. Utilizing variant allele frequency, disease prevalence and penetrance estimates, and inheritance mode, an automated score was calculated to assess if this variant is too frequent to cause the disease. Based on the score and internal cut-off values, a variant classified as benign is not then subjected to further curation. The score for this variant resulted in a classification of benign for this disease.

GeneDx
Classification: Benign. Last evaluated: 2015-03-03. Review status: criteria provided, single submitter. Criteria: GeneDx Variant Classification Process June 2021. Collection method: clinical testing. Allele origin: germline. Affected: yes.

Genetic Services Laboratory, University of Chicago
Classification: Benign. Last evaluated: 2013-02-08. Review status: criteria provided, single submitter. Criteria: ACMG Guidelines, 2007. Collection method: clinical testing. Allele origin: germline. Inheritance: Autosomal recessive inheritance.

Breakthrough Genomics
Classification: Benign. Review status: criteria provided, single submitter. Criteria: ACMG Guidelines, 2015. Collection method: not provided. Allele origin: germline. Inheritance: Autosomal recessive inheritance. Affected: yes.

PreventionGenetics, part of Exact Sciences
Classification: Benign. Review status: criteria provided, single submitter. Criteria: ACMG Guidelines, 2015. Collection method: clinical testing. Allele origin: germline.

Natera, Inc.
Classification: Benign for Bilateral frontoparietal polymicrogyria. Last evaluated: 2020-09-16. Review status: no assertion criteria provided. Collection method: clinical testing. Allele origin: germline. Not counted in ClinVar's aggregate classification.